The following is an entry in ClinVar:

ClinVar aggregate classification (germline): Uncertain significance (1 of 4 stars; one submission).

Conditions:
Immunodeficiency 104. Also called: SCID, AUTOSOMAL RECESSIVE, T CELL-NEGATIVE, B CELL-POSITIVE, NK CELL-POSITIVE; Severe combined immunodeficiency, autosomal recessive, T cell-negative, B cell-positive, NK cell-positive; IMMUNODEFICIENCY 104, SEVERE COMBINED; Severe Combined Immune Deficiency, Autosomal Recessive, TCell -Negative, B Cell-Positive, NK Cell-Positive, IL7R-Related. Identifiers: MedGen C5676890, MONDO:0012163, OMIM 608971.

Allele frequency attached by ClinVar (database versions not stated): ExAC 0.00004; gnomAD 0.00004 and 0.00003; gnomAD exomes 0.00004; ESP Exome Variant Server 0.00008; TOPMed 0.00002.

Submission:

Labcorp Genetics (formerly Invitae), Labcorp
Classification: Uncertain significance for Immunodeficiency 104. Last evaluated: 2021-11-13. Review status: criteria provided, single submitter. Criteria: Invitae Variant Classification Sherloc (09022015). Collection method: clinical testing. Allele origin: germline.
Comment: This sequence change replaces threonine, which is neutral and polar, with alanine, which is neutral and non-polar, at codon 548 of the PTPRC protein (p.Thr548Ala). This variant is present in population databases (rs145467564, gnomAD 0.01%). This variant has not been reported in the literature in individuals affected with PTPRC-related conditions. ClinVar contains an entry for this variant (Variation ID: 646658). Algorithms developed to predict the effect of missense changes on protein structure and function (SIFT, PolyPhen-2, Align-GVGD) all suggest that this variant is likely to be disruptive. Algorithms developed to predict the effect of sequence changes on RNA splicing suggest that this variant may create or strengthen a splice site. In summary, the available evidence is currently insufficient to determine the role of this variant in disease. Therefore, it has been classified as a Variant of Uncertain Significance.

NM_002838.5(PTPRC):c.1642A>G (p.Thr548Ala)

Gene: PTPRC (protein tyrosine phosphatase receptor type C; plus strand). Cytogenetic location: 1q32.1.
Variant type: single nucleotide variant.
Coding change: c.1642A>G on transcript NM_002838.5 (MANE Select); coding-DNA position 1642, A replaced by G.
Protein change: p.Thr548Ala; replaces threonine 548 with alanine.
Molecular consequence: missense variant.
Genome position (GRCh38, 1-based): chr1:198,718,285, A>G. VCF-style: chr1-198718285-A-G. GRCh37 (hg19) VCF-style: chr1-198687414-A-G.
Other names: c.1159A>G, p.Thr387Ala (NM_080921.4); short protein forms T548A, T387A.
Identifiers: ClinVar variation 646658 (VCV000646658.4), dbSNP rs145467564, ClinGen allele CA1314842.